The following is an entry in ClinVar:

ClinVar aggregate classification (germline): Likely benign (1 of 4 stars; one submission).

Allele frequency attached by ClinVar (database versions not stated): gnomAD exomes below 0.00001.
gnomAD v4.1: 3 of 1,614,162 alleles (0.00019%); highest among the groups gnomAD compares: Non-Finnish European, 0.00025%; no homozygotes.

Submission:

CeGaT Center for Human Genetics Tuebingen
Classification: Likely benign. Last evaluated: 2022-11-01. Review status: criteria provided, single submitter. Criteria: CeGaT Center For Human Genetics Tuebingen Variant Classification Criteria Version 2. Collection method: clinical testing. Allele origin: germline. Affected: yes. Observed: 1 variant allele.
Comment: COL6A3: PM2:Supporting, BP4, BP7

NM_004369.4(COL6A3):c.7881T>G (p.Ala2627=)

Gene: COL6A3 (collagen type VI alpha 3 chain; minus strand). Cytogenetic location: 2q37.3.
Variant type: single nucleotide variant.
Coding change: c.7881T>G on transcript NM_004369.4 (MANE Select); coding-DNA position 7881, T replaced by G.
Protein change: p.Ala2627=; no amino-acid change (alanine 2627 retained).
Molecular consequence: synonymous variant.
Genome position (GRCh38, 1-based): chr2:237,341,035, A>C on the plus strand (T>G on the coding strand, the complement: COL6A3 is on the minus strand). VCF-style: chr2-237341035-A-C. GRCh37 (hg19) VCF-style: chr2-238249678-A-C.
Other names: c.6060T>G, p.Ala2020= (NM_057166.5); c.7263T>G, p.Ala2421= (NM_057167.4).
Identifiers: ClinVar variation 2652040 (VCV002652040.22), dbSNP rs2469805651, ClinGen allele CA431710083.